The following is an entry in ClinVar:

NM_020964.3(EPG5):c.2350C>G (p.Gln784Glu)

Gene: EPG5 (ectopic P-granules 5 autophagy tethering factor; minus strand). Cytogenetic location: 18q21.1.
Variant type: single nucleotide variant.
Coding change: c.2350C>G on transcript NM_020964.3 (MANE Select); coding-DNA position 2350, C replaced by G.
Protein change: p.Gln784Glu; replaces glutamine 784 with glutamic acid.
Molecular consequence: missense variant.
Genome position (GRCh38, 1-based): chr18:45,930,738, G>C on the plus strand (C>G on the coding strand, the complement: EPG5 is on the minus strand). VCF-style: chr18-45930738-G-C. GRCh37 (hg19) VCF-style: chr18-43510704-G-C.
Other names: c.2350C>G (NM_020964.2); short protein forms Q784E.
Identifiers: ClinVar variation 1507735 (VCV001507735.10), dbSNP rs764959017, ClinGen allele CA8949453.

ClinVar aggregate classification (germline): Uncertain significance (1 of 4 stars; one submission).

Conditions:
Vici syndrome (VICIS). Identifiers: Orphanet 1493, MedGen C1855772, MONDO:0009452, OMIM 242840.

Allele frequency attached by ClinVar (database versions not stated): ExAC 0.00003; gnomAD exomes 0.00003; gnomAD 0.00004.
gnomAD v4.1: 25 of 1,611,034 alleles (0.0016%); highest among the groups gnomAD compares: Non-Finnish European, 0.0015%; 1 homozygote.

Submission:

Labcorp Genetics (formerly Invitae), Labcorp
Classification: Uncertain significance for Vici syndrome. Last evaluated: 2022-02-04. Review status: criteria provided, single submitter. Criteria: Invitae Variant Classification Sherloc (09022015). Collection method: clinical testing. Allele origin: germline.
Comment: This sequence change replaces glutamine, which is neutral and polar, with glutamic acid, which is acidic and polar, at codon 784 of the EPG5 protein (p.Gln784Glu). This variant is present in population databases (rs764959017, gnomAD 0.008%), including at least one homozygous and/or hemizygous individual. This variant has not been reported in the literature in individuals affected with EPG5-related conditions. Algorithms developed to predict the effect of missense changes on protein structure and function (SIFT, PolyPhen-2, Align-GVGD) all suggest that this variant is likely to be tolerated. In summary, the available evidence is currently insufficient to determine the role of this variant in disease. Therefore, it has been classified as a Variant of Uncertain Significance.